The following is an entry in ClinVar:

NM_006766.5(KAT6A):c.5696T>C (p.Met1899Thr)

Gene: KAT6A (lysine acetyltransferase 6A; minus strand). Cytogenetic location: 8p11.21.
Variant type: single nucleotide variant.
Coding change: c.5696T>C on transcript NM_006766.5 (MANE Select); coding-DNA position 5696, T replaced by C.
Protein change: p.Met1899Thr; replaces methionine 1899 with threonine.
Molecular consequence: missense variant.
Genome position (GRCh38, 1-based): chr8:41,932,524, A>G on the plus strand (T>C on the coding strand, the complement: KAT6A is on the minus strand). VCF-style: chr8-41932524-A-G. GRCh37 (hg19) VCF-style: chr8-41790042-A-G.
Other names: short protein forms M1899T.
Identifiers: ClinVar variation 2499411 (VCV002499411.1), dbSNP rs1821602614, ClinGen allele CA371060821.
Genomic context (GRCh38, chr8:41,932,524, plus strand): 5'-AAGGTGTTCATATTCATGGAATTGACATTATAGGCGGGAGTAGGCATCAGATTAACCCCC[A>G]TGTTCATGCCACGCTGAACAGCCAGTGCGCGAGGGCCAGCCTGCATGGCAACTGCCGATG-3'
Protein context (NP_006757.2, residues 1889-1909): RALAVQRGMN[Met1899Thr]GVNLMPTPAY

ClinVar aggregate classification (germline): Uncertain significance (1 of 4 stars; one submission).

Allele frequency attached by ClinVar (database versions not stated): gnomAD exomes below 0.00001; TOPMed below 0.00001.

Submission:

GeneDx
Classification: Uncertain significance. Last evaluated: 2022-10-13. Review status: criteria provided, single submitter. Criteria: GeneDx Variant Classification Process June 2021. Collection method: clinical testing. Allele origin: germline. Affected: yes.
Comment: Not observed at significant frequency in large population cohorts (gnomAD); In silico analysis supports that this missense variant has a deleterious effect on protein structure/function; Has not been previously published as pathogenic or benign to our knowledge